The following is an entry in ClinVar:

ClinVar aggregate classification (germline): Uncertain significance. Review status: criteria provided, multiple submitters, no conflicts (2 of 4 stars). 4 submissions from 4 submitters: Uncertain significance (4). Last evaluated 2025-05-09.

Conditions:
Werner syndrome (WRN). Identifiers: Orphanet 902, MedGen C0043119, MONDO:0010196, OMIM 277700.

Allele frequency attached by ClinVar (database versions not stated): ExAC 0.00003; gnomAD 0.00003; gnomAD exomes 0.00004 and 0.00013; TOPMed 0.00005.
gnomAD v4.1: 195 of 1,608,426 alleles (0.012%); highest among the groups gnomAD compares: Middle Eastern, 0.036%; no homozygotes.

Submissions (4):

Labcorp Genetics (formerly Invitae), Labcorp
Classification: Uncertain significance for Werner syndrome. Last evaluated: 2025-05-09. Review status: criteria provided, single submitter. Criteria: Invitae Variant Classification Sherloc (09022015). Collection method: clinical testing. Allele origin: germline.
Comment: This sequence change replaces proline, which is neutral and non-polar, with leucine, which is neutral and non-polar, at codon 551 of the WRN protein (p.Pro551Leu). This variant is present in population databases (rs781107893, gnomAD 0.01%). This missense change has been observed in individual(s) with acute lymphocytic leukemia (PMID: 32359129). ClinVar contains an entry for this variant (Variation ID: 238125). An algorithm developed to predict the effect of missense changes on protein structure and function (PolyPhen-2) suggests that this variant is likely to be disruptive. In summary, the available evidence is currently insufficient to determine the role of this variant in disease. Therefore, it has been classified as a Variant of Uncertain Significance.

Revvity Omics, Revvity
Classification: Uncertain significance for Werner syndrome. Last evaluated: 2023-12-27. Review status: criteria provided, single submitter. Criteria: ACMG Guidelines, 2015. Collection method: clinical testing. Allele origin: germline.

Fulgent Genetics
Classification: Uncertain significance for Werner syndrome. Last evaluated: 2022-05-17. Review status: criteria provided, single submitter. Criteria: ACMG Guidelines, 2015. Collection method: clinical testing. Allele origin: unknown.

Breakthrough Genomics
Classification: Uncertain significance. Review status: criteria provided, single submitter. Criteria: ACMG Guidelines, 2015. Collection method: not provided. Allele origin: germline. Inheritance: Autosomal recessive inheritance. Affected: yes.

Literature cited by the submitters: PubMed 32359129 (cited by Labcorp Genetics (formerly Invitae), Labcorp).

NM_000553.6(WRN):c.1652C>T (p.Pro551Leu)

Gene: WRN (WRN RecQ like helicase; plus strand). Cytogenetic location: 8p12.
Variant type: single nucleotide variant.
Coding change: c.1652C>T on transcript NM_000553.6 (MANE Select); coding-DNA position 1652, C replaced by T.
Protein change: p.Pro551Leu; replaces proline 551 with leucine.
Molecular consequence: missense variant.
Genome position (GRCh38, 1-based): chr8:31,088,965, C>T. VCF-style: chr8-31088965-C-T. GRCh37 (hg19) VCF-style: chr8-30946481-C-T.
Other names: short protein forms P551L.
Identifiers: ClinVar variation 238125 (VCV000238125.8), dbSNP rs781107893, ClinGen allele CA4704431.